The following is an entry in ClinVar:

ClinVar aggregate classification (germline): Likely pathogenic. Review status: criteria provided, multiple submitters, no conflicts (2 of 4 stars). 2 submissions from 2 submitters: Likely pathogenic (2). Last evaluated 2024-08-08.

Conditions:
Early-onset coronary artery disease. Identifiers: MedGen C4229399.

Submissions (2):

Women's Health and Genetics/Laboratory Corporation of America, LabCorp
Classification: Likely pathogenic for Early-onset coronary artery disease. Last evaluated: 2024-08-08. Review status: criteria provided, single submitter. Criteria: LabCorp Variant Classification Summary - May 2015. Collection method: clinical testing. Allele origin: germline.
Comment: Variant summary: ABCG8 c.964+1G>T is located in a canonical splice-site and is predicted to affect mRNA splicing resulting in a significantly altered protein due to either exon skipping, shortening, or inclusion of intronic material. Variants that disrupt the consensus splice site are a relatively common cause of aberrant splicing and loss of ABCG8 function. Several computational tools predict a significant impact on normal splicing: Four predict the variant abolishes a 5' splicing donor site. However, these predictions have yet to be confirmed by functional studies. The variant was absent in 1613924 control chromosomes. To our knowledge, no occurrence of c.964+1G>T in individuals affected with Early Onset Coronary Artery Disease and no experimental evidence demonstrating its impact on protein function have been reported. ClinVar contains an entry for this variant (Variation ID: 2795346). Based on the evidence outlined above, the variant was classified as likely pathogenic.

Labcorp Genetics (formerly Invitae), Labcorp
Classification: Likely pathogenic. Last evaluated: 2023-08-27. Review status: criteria provided, single submitter. Criteria: Invitae Variant Classification Sherloc (09022015). Collection method: clinical testing. Allele origin: germline.
Comment: This sequence change affects a donor splice site in intron 6 of the ABCG8 gene. It is expected to disrupt RNA splicing. Variants that disrupt the donor or acceptor splice site typically lead to a loss of protein function (PMID: 16199547), and loss-of-function variants in ABCG8 are known to be pathogenic (PMID: 11452359, 15375183, 16029460). This variant is not present in population databases (gnomAD no frequency). In summary, the currently available evidence indicates that the variant is pathogenic, but additional data are needed to prove that conclusively. Therefore, this variant has been classified as Likely Pathogenic. Algorithms developed to predict the effect of sequence changes on RNA splicing suggest that this variant may disrupt the consensus splice site. This variant has not been reported in the literature in individuals affected with ABCG8-related conditions.

Literature cited by the submitters: PubMed 16199547 (cited by Labcorp Genetics (formerly Invitae), Labcorp); PubMed 11452359 (cited by Labcorp Genetics (formerly Invitae), Labcorp); PubMed 15375183 (cited by Labcorp Genetics (formerly Invitae), Labcorp); PubMed 16029460 (cited by Labcorp Genetics (formerly Invitae), Labcorp).

NM_022437.3(ABCG8):c.964+1G>T

Gene: ABCG8 (ATP binding cassette subfamily G member 8; plus strand). Cytogenetic location: 2p21.
Variant type: single nucleotide variant.
Coding change: c.964+1G>T on transcript NM_022437.3 (MANE Select); the canonical splice donor site of the intron after coding-DNA position 964, G replaced by T.
Molecular consequence: splice donor variant.
Genome position (GRCh38, 1-based): chr2:43,852,869, G>T. VCF-style: chr2-43852869-G-T. GRCh37 (hg19) VCF-style: chr2-44080008-G-T.
Other names: c.964+1G>T (NM_001357321.2).
Identifiers: ClinVar variation 2795346 (VCV002795346.4), dbSNP rs2466203768, ClinGen allele CA346667043.